The following is an entry in ClinVar:

NM_003098.3(SNTA1):c.1147G>A (p.Val383Met)

Gene: SNTA1 (syntrophin alpha 1; minus strand). Cytogenetic location: 20q11.21.
Variant type: single nucleotide variant.
Coding change: c.1147G>A on transcript NM_003098.3 (MANE Select); coding-DNA position 1147, G replaced by A.
Protein change: p.Val383Met; replaces valine 383 with methionine.
Molecular consequence: missense variant.
Genome position (GRCh38, 1-based): chr20:33,410,225, C>T on the plus strand (G>A on the coding strand, the complement: SNTA1 is on the minus strand). VCF-style: chr20-33410225-C-T. GRCh37 (hg19) VCF-style: chr20-31998031-C-T.
Other names: short protein forms V383M.
Identifiers: ClinVar variation 526964 (VCV000526964.11), dbSNP rs767361112, ClinGen allele CA9817029.
Genomic context (GRCh38, chr20:33,410,225, plus strand): 5'-CCCGGTGACAGCCATCCACAAGCTGGCGGGTCCAGGCAGCCAGCTCCTGCGGTGACTCCA[C>T]GCTGAACAGGTGAGTGTCCACACCGTGACGCGTGCCCGTGCGCAGGGCAAAAGAGAGCTC-3'
Protein context (NP_003089.1, residues 373-393): RHGVDTHLFS[Val383Met]ESPQELAAWT

ClinVar aggregate classification (germline): Uncertain significance. Review status: criteria provided, multiple submitters, no conflicts (2 of 4 stars). 4 submissions from 4 submitters: Uncertain significance (4). Last evaluated 2025-02-20.

Conditions:
Long QT syndrome 12 (LQT12). Identifiers: Orphanet 101016, Orphanet 768, MedGen C2751830, MONDO:0013062, OMIM 612955.
Cardiovascular phenotype. Identifiers: MedGen CN230736.
Long QT syndrome (LQTS). Identifiers: MedGen C0023976, MeSH D008133, MONDO:0002442. Disease mechanism: loss of function. Inheritance: Various modes of inheritance.

Allele frequency attached by ClinVar (database versions not stated): ExAC 0.00002; gnomAD exomes 0.00002; TOPMed 0.00003; gnomAD 0.00005 and 0.00006.

Submissions (4):

Labcorp Genetics (formerly Invitae), Labcorp
Classification: Uncertain significance for Long QT syndrome. Last evaluated: 2025-02-20. Review status: criteria provided, single submitter. Criteria: Invitae Variant Classification Sherloc (09022015). Collection method: clinical testing. Allele origin: germline.
Comment: This sequence change replaces valine, which is neutral and non-polar, with methionine, which is neutral and non-polar, at codon 383 of the SNTA1 protein (p.Val383Met). This variant is present in population databases (rs767361112, gnomAD 0.01%). This variant has not been reported in the literature in individuals affected with SNTA1-related conditions. ClinVar contains an entry for this variant (Variation ID: 526964). Invitae Evidence Modeling of protein sequence and biophysical properties (such as structural, functional, and spatial information, amino acid conservation, physicochemical variation, residue mobility, and thermodynamic stability) indicates that this missense variant is not expected to disrupt SNTA1 protein function with a negative predictive value of 80%. In summary, the available evidence is currently insufficient to determine the role of this variant in disease. Therefore, it has been classified as a Variant of Uncertain Significance.

Ambry Genetics
Classification: Uncertain significance for Cardiovascular phenotype. Last evaluated: 2024-09-25. Review status: criteria provided, single submitter. Criteria: Ambry Variant Classification Scheme 2023. Collection method: clinical testing. Allele origin: germline.
Comment: The p.V383M variant (also known as c.1147G>A), located in coding exon 6 of the SNTA1 gene, results from a G to A substitution at nucleotide position 1147. The valine at codon 383 is replaced by methionine, an amino acid with highly similar properties. This amino acid position is well conserved in available vertebrate species. In addition, the in silico prediction for this alteration is inconclusive. The evidence for this gene-disease relationship is limited; therefore, the clinical significance of this alteration is unclear.

GeneDx
Classification: Uncertain significance. Last evaluated: 2024-01-28. Review status: criteria provided, single submitter. Criteria: GeneDx Variant Classification Process June 2021. Collection method: clinical testing. Allele origin: germline. Affected: yes.
Comment: In silico analysis supports that this missense variant does not alter protein structure/function; Has not been previously published as pathogenic or benign to our knowledge

Fulgent Genetics
Classification: Uncertain significance for Long QT syndrome 12. Last evaluated: 2021-08-27. Review status: criteria provided, single submitter. Criteria: ACMG Guidelines, 2015. Collection method: clinical testing. Allele origin: unknown.